The following is an entry in ClinVar:

ClinVar aggregate classification (germline): Uncertain significance (1 of 4 stars; one submission).

Conditions:
Congenital lactic acidosis, Saguenay-Lac-Saint-Jean type (MC4DN5). Also called: CYTOCHROME c OXIDASE DEFICIENCY, FRENCH CANADIAN TYPE; COX DEFICIENCY, FRENCH CANADIAN TYPE; MITOCHONDRIAL COMPLEX IV DEFICIENCY, NUCLEAR TYPE 5. Identifiers: Orphanet 70472, MedGen C1857355, MONDO:0009069, OMIM 220111.

Submission:

Myriad Genetics, Inc.
Classification: Uncertain significance for Congenital lactic acidosis, Saguenay-Lac-Saint-Jean type. Last evaluated: 2025-10-27. Review status: criteria provided, single submitter. Criteria: Myriad Autosomal Dominant, Autosomal Recessive and X-Linked Classification Criteria (2023). Collection method: clinical testing. Allele origin: unknown.
Comment: NM_133259.3(LRPPRC):c.2110_2112delAAA(K704del) is an in-frame deletion classified as a variant of uncertain significance in the context of Leigh syndrome, French-Canadian type. K704del has not been observed in cases with relevant disease. Relevant functional assessments of this variant are not available in the literature. K704del has not been observed in referenced population frequency databases. In summary, there is insufficient evidence to classify NM_133259.3(LRPPRC):c.2110_2112delAAA(K704del) as pathogenic or benign. Please note: this variant was assessed in the context of healthy population screening.

NM_133259.4(LRPPRC):c.2110_2112del (p.Lys704del)

Gene: LRPPRC (leucine rich pentatricopeptide repeat containing; minus strand). Cytogenetic location: 2p21.
Variant type: Deletion.
Coding change: c.2110_2112del on transcript NM_133259.4 (MANE Select); coding-DNA positions 2110 to 2112, 3 bases deleted (AAA; older notation c.2110_2112delAAA).
Protein change: p.Lys704del; deletes lysine 704.
Molecular consequence: inframe deletion.
Genome position (GRCh38, 1-based): chr2:43,946,211-43,946,213, TTT deleted on the plus strand (AAA on the coding strand, the reverse complement: LRPPRC is on the minus strand); deleting any 3 consecutive bases within chr2:43,946,211-43,946,214 gives the same sequence; the c. name uses the placement nearest the transcript's 3' end. VCF-style (leftmost placement, unchanged base first): chr2-43946210-ATTT-A. GRCh37 (hg19) VCF-style: chr2-44173349-ATTT-A.
Other names: short protein forms K704del.
Identifiers: ClinVar variation 5004248 (VCV005004248.1).